The following is an entry in ClinVar:

ClinVar aggregate classification (germline): Uncertain significance (1 of 4 stars; one submission).

Submission:

Greenwood Genetic Center Diagnostic Laboratories, Greenwood Genetic Center
Classification: Uncertain significance. Last evaluated: 2024-02-22. Review status: criteria provided, single submitter. Criteria: ACMG Guidelines, 2015. Collection method: clinical testing. Allele origin: germline. Affected: yes.
Comment: PVS1, PM2, BS2

NM_024496.4(IRF2BPL):c.1183_1186dup (p.His396fs)

Gene: IRF2BPL (interferon regulatory factor 2 binding protein like; minus strand). Cytogenetic location: 14q24.3.
Variant type: Duplication.
Coding change: c.1183_1186dup on transcript NM_024496.4 (MANE Select); coding-DNA positions 1183 to 1186, 4 bases duplicated (GACC; older notation c.1183_1186dupGACC).
Protein change: p.His396fs; shifts the reading frame from histidine 396.
Molecular consequence: frameshift variant.
Genome position (GRCh38, 1-based): chr14:77,026,607-77,026,610, GGTC duplicated on the plus strand (GACC on the coding strand, the reverse complement: IRF2BPL is on the minus strand). VCF-style (leftmost placement, unchanged base first): chr14-77026606-T-TGGTC. GRCh37 (hg19) VCF-style: chr14-77492949-T-TGGTC.
Other names: short protein forms H396fs.
Identifiers: ClinVar variation 3235758 (VCV003235758.1), dbSNP rs2503076376, ClinGen allele CA2825002243.
Genomic context (GRCh38, chr14:77,026,606, plus strand): 5'-TCGTAGTCCATGCCGGGCTTGGAGACGGCGTCGAAGGCGAAAACGCGGCCCAGCAGCGAG[T>TGGTC]GGTCCTTCTTGAAGCGAACCTCGTAGGGCGTGCAGCCTGCCAGCGTGAGCAGCGTGTCGC-3'